The following is an entry in ClinVar:

ClinVar aggregate classification (germline): Conflicting classifications of pathogenicity. Review status: criteria provided, conflicting classifications (1 of 4 stars). 2 submissions from 2 submitters: Likely pathogenic (1); Uncertain significance (1). Last evaluated 2026-09-08.

Conditions:
Fabry disease. Also called: Fabry's disease; Angiokeratoma corporis diffusum; ALPHA-GALACTOSIDASE A DEFICIENCY; ANDERSON-FABRY DISEASE; CERAMIDE TRIHEXOSIDASE DEFICIENCY; GLA DEFICIENCY. Identifiers: Orphanet 324, MedGen C0002986, MONDO:0010526, OMIM 301500, HP:0001071. Disease mechanism: Fabry disease is due to inactivating mutations in the X-linked GLA gene resulting in deficiency of the enzyme Alpha Galactosidase-A., loss of function.

Submissions (2):

Genomenon, Inc
Classification: Likely pathogenic for Fabry disease. Last evaluated: 2026-09-08. Review status: criteria provided, single submitter. Criteria: Genomenon Sequence Variant Interpretation Standards - Updated. Collection method: curation. Allele origin: germline. Affected: no.
Comment: GLA p.His186Pro (c.557A>C) is a missense variant that changes the amino acid at codon 186 from Histidine to Proline. To our knowledge, this variant has not been reported in patients affected with Fabry disease in the published literature. At least one functional study has demonstrated a substantial alteration in protein function relative to the wild-type (PMID:27657681). It is absent or not present at a significant frequency in gnomAD. In conclusion, we classify GLA p.His186Pro (c.557A>C) as a likely pathogenic variant.

3billion
Classification: Uncertain significance for Fabry disease. Last evaluated: 2024-11-12. Review status: criteria provided, single submitter. Criteria: ACMG Guidelines, 2015. Collection method: clinical testing. Allele origin: germline. Affected: yes.
Comment: The variant is not observed in the gnomAD v4.1.0 dataset. Predicted Consequence/Location: Missense variant In silico tool predictions suggest damaging effect of the variant on gene or gene product [3Cnet: 0.90 (>=0.6, sensitivity 0.72 and precision 0.9)]. Therefore, this variant is classified as VUS according to the recommendation of ACMG/AMP guideline.

Literature cited by the submitters: PubMed 27657681 (cited by Genomenon, Inc).

NM_000169.3(GLA):c.557A>C (p.His186Pro)

Genes: GLA (galactosidase alpha; minus strand), RPL36A-HNRNPH2 (RPL36A-HNRNPH2 readthrough; plus strand). Cytogenetic location: Xq22.1.
Variant type: single nucleotide variant.
Coding change: c.557A>C on transcript NM_000169.3 (MANE Select); coding-DNA position 557, A replaced by C.
Protein change: p.His186Pro; replaces histidine 186 with proline.
Molecular consequence: missense variant. On other transcripts: non-coding transcript variant (2), intron variant (2).
Genome position (GRCh38, 1-based): chrX:101,400,748, T>G on the plus strand (A>C on the coding strand, the complement: GLA is on the minus strand). VCF-style: chrX-101400748-T-G. GRCh37 (hg19) VCF-style: chrX-100655736-T-G.
Other names: c.680A>C, p.His227Pro (NM_001406747.1); c.557A>C, p.His186Pro (NM_001406748.1); c.300+5291T>G (NM_001199973.2); c.177+8926T>G (NM_001199974.2); short protein forms H186P, H227P.
Identifiers: ClinVar variation 3383377 (VCV003383377.4).